The following is an entry in ClinVar:

ClinVar aggregate classification (germline): Uncertain significance. Review status: criteria provided, multiple submitters, no conflicts (2 of 4 stars). 4 submissions from 3 submitters: Uncertain significance (4). Last evaluated 2021-09-03.

Conditions:
RASopathy. Also called: Noonan spectrum disorder; rasopathies. Identifiers: Orphanet 536391, MedGen C5555857, MONDO:0021060.
Fibromatosis, gingival, 1 (GINGF1). Identifiers: Orphanet 2024, MedGen C4551558, MONDO:0007609, OMIM 135300.
Noonan syndrome 4 (NS4). Also called: SOS1-Related Noonan Syndrome; NOONAN SYNDROME WITH PIGMENTED VILLONODULAR SYNOVITIS. Identifiers: Orphanet 648, MedGen C1853120, MONDO:0012547, OMIM 610733.

Allele frequency attached by ClinVar (database versions not stated): gnomAD exomes below 0.00001.
gnomAD v4.1: 3 of 1,609,388 alleles (0.00019%); highest among the groups gnomAD compares: South Asian, 0.0033%; no homozygotes.

Submissions (4):

Labcorp Genetics (formerly Invitae), Labcorp
Classification: Uncertain significance for RASopathy. Last evaluated: 2021-09-03. Review status: criteria provided, single submitter. Criteria: Invitae Variant Classification Sherloc (09022015). Collection method: clinical testing. Allele origin: germline.
Comment: This sequence change replaces aspartic acid with glutamic acid at codon 887 of the SOS1 protein (p.Asp887Glu). The aspartic acid residue is moderately conserved and there is a small physicochemical difference between aspartic acid and glutamic acid. In summary, the available evidence is currently insufficient to determine the role of this variant in disease. Therefore, it has been classified as a Variant of Uncertain Significance. Algorithms developed to predict the effect of missense changes on protein structure and function (SIFT, PolyPhen-2, Align-GVGD) all suggest that this variant is likely to be tolerated. This variant has not been reported in the literature in individuals affected with SOS1-related conditions. This variant is not present in population databases (ExAC no frequency).

Mayo Clinic Laboratories, Mayo Clinic
Classification: Uncertain significance. Last evaluated: 2021-06-30. Review status: criteria provided, single submitter. Criteria: ACMG Guidelines, 2015. Collection method: clinical testing. Allele origin: germline.

Genome-Nilou Lab
Classification: Uncertain significance for Noonan syndrome 4. Review status: criteria provided, single submitter. Criteria: ACMG Guidelines, 2015. Collection method: clinical testing. Allele origin: germline.

Genome-Nilou Lab
Classification: Uncertain significance for Fibromatosis, gingival, 1. Review status: criteria provided, single submitter. Criteria: ACMG Guidelines, 2015. Collection method: clinical testing. Allele origin: germline.

NM_005633.4(SOS1):c.2661C>A (p.Asp887Glu)

Gene: SOS1 (SOS Ras/Rac guanine nucleotide exchange factor 1; minus strand). Cytogenetic location: 2p22.1.
Variant type: single nucleotide variant.
Coding change: c.2661C>A on transcript NM_005633.4 (MANE Select); coding-DNA position 2661, C replaced by A.
Protein change: p.Asp887Glu; replaces aspartic acid 887 with glutamic acid.
Molecular consequence: missense variant.
Genome position (GRCh38, 1-based): chr2:39,007,043, G>T on the plus strand (C>A on the coding strand, the complement: SOS1 is on the minus strand). VCF-style: chr2-39007043-G-T. GRCh37 (hg19) VCF-style: chr2-39234184-G-T.
Other names: p.Asp887Glu; c.2640C>A, p.Asp880Glu (NM_001382394.1); c.2661C>A, p.Asp887Glu (NM_001382395.1); short protein forms D880E, D887E.
Identifiers: ClinVar variation 1450756 (VCV001450756.10), dbSNP rs2124503229, ClinGen allele CA346363334.